The following is an entry in ClinVar:

ClinVar aggregate classification (germline): Pathogenic. Review status: criteria provided, multiple submitters, no conflicts (2 of 4 stars). 2 submissions from 2 submitters: Pathogenic (2). Last evaluated 2023-01-14.

Conditions:
Mucolipidosis type II. Also called: Mucolipidosis II Alpha/Beta; ML II ALPHA/BETA; Mucolipidosis 2; ML 2; Inclusion cell disease; Leroy Disease. Identifiers: Orphanet 576, MedGen C2673377, MONDO:0009650, OMIM 252500.
Pseudo-Hurler polydystrophy. Also called: MUCOLIPIDOSIS IIIA; ML III; ML III ALPHA/BETA; Type III Mucolipidosis; ML IIIA; Mucolipidosis III Alpha/Beta. Identifiers: Orphanet 423461, Orphanet 577, MedGen C0033788, MONDO:0018931, OMIM 252600.

Submissions (2):

Labcorp Genetics (formerly Invitae), Labcorp
Classification: Pathogenic for Pseudo-Hurler polydystrophy; Mucolipidosis type II. Last evaluated: 2023-01-14. Review status: criteria provided, single submitter. Criteria: Invitae Variant Classification Sherloc (09022015). Collection method: clinical testing. Allele origin: germline.
Comment: ClinVar contains an entry for this variant (Variation ID: 96124). This premature translational stop signal has been observed in individual(s) with GNPTAB-related conditions (PMID: 32341820). This variant is not present in population databases (gnomAD no frequency). This sequence change creates a premature translational stop signal (p.Lys244Asnfs*10) in the GNPTAB gene. It is expected to result in an absent or disrupted protein product. Loss-of-function variants in GNPTAB are known to be pathogenic (PMID: 19617216, 25107912). For these reasons, this variant has been classified as Pathogenic.

Eurofins Ntd Llc (ga)
Classification: Pathogenic. Last evaluated: 2013-01-21. Review status: criteria provided, single submitter. Criteria: EGL Classification Definitions. Collection method: clinical testing. Allele origin: germline. Observed: 1 variant allele, 1 heterozygote.

Literature cited by the submitters: PubMed 32341820 (cited by Labcorp Genetics (formerly Invitae), Labcorp); PubMed 19617216 (cited by Labcorp Genetics (formerly Invitae), Labcorp); PubMed 25107912 (cited by Labcorp Genetics (formerly Invitae), Labcorp).

NM_024312.5(GNPTAB):c.732_733del (p.Lys244fs)

Gene: GNPTAB (N-acetylglucosamine-1-phosphate transferase subunits alpha and beta; minus strand). Cytogenetic location: 12q23.2.
Variant type: Deletion.
Coding change: c.732_733del on transcript NM_024312.5 (MANE Select); coding-DNA positions 732 to 733, 2 bases deleted (AA; older notation c.732_733delAA).
Protein change: p.Lys244fs; shifts the reading frame from lysine 244.
Molecular consequence: frameshift variant.
Genome position (GRCh38, 1-based): chr12:101,780,190-101,780,191, TT deleted on the plus strand (AA on the coding strand, the reverse complement: GNPTAB is on the minus strand); deleting any 2 consecutive bases within chr12:101,780,190-101,780,194 gives the same sequence; the c. name uses the placement nearest the transcript's 3' end. VCF-style (leftmost placement, unchanged base first): chr12-101780189-GTT-G. GRCh37 (hg19) VCF-style: chr12-102173967-GTT-G.
Other names: short protein forms K244fs.
Identifiers: ClinVar variation 96124 (VCV000096124.12), dbSNP rs398124400, ClinGen allele CA223757.